The following is an entry in ClinVar:

NM_025132.4(WDR19):c.326G>A (p.Gly109Glu)

Gene: WDR19 (WD repeat domain 19; plus strand). Cytogenetic location: 4p14.
Variant type: single nucleotide variant.
Coding change: c.326G>A on transcript NM_025132.4 (MANE Select); coding-DNA position 326, G replaced by A.
Protein change: p.Gly109Glu; replaces glycine 109 with glutamic acid.
Molecular consequence: missense variant. On other transcripts: intron variant (1).
Genome position (GRCh38, 1-based): chr4:39,194,579, G>A. VCF-style: chr4-39194579-G-A. GRCh37 (hg19) VCF-style: chr4-39196199-G-A.
Other names: c.-75+4798G>A (NM_001317924.2); short protein forms G109E.
Identifiers: ClinVar variation 1005552 (VCV001005552.7), dbSNP rs766029437, ClinGen allele CA2891601.

ClinVar aggregate classification (germline): Uncertain significance. Review status: criteria provided, multiple submitters, no conflicts (2 of 4 stars). 2 submissions from 2 submitters: Uncertain significance (2). Last evaluated 2022-02-18.

Conditions:
Senior-Loken syndrome 8 (SLSN8). Identifiers: Orphanet 3156, MedGen C4225376, MONDO:0014579, OMIM 616307.
Asphyxiating thoracic dystrophy 5 (SRTD5). Also called: SHORT-RIB THORACIC DYSPLASIA 5 WITH OR WITHOUT POLYDACTYLY; SHORT-RIB THORACIC DYSPLASIA 5 WITHOUT POLYDACTYLY. Identifiers: Orphanet 474, MedGen C3280598, MONDO:0013717, OMIM 614376.
Spermatogenic failure 72 (SPGF72). Identifiers: MedGen C5676980, MONDO:0030809, OMIM 619867.
Nephronophthisis 13 (NPHP13). Identifiers: Orphanet 655, MedGen C3280612, MONDO:0013718, OMIM 614377.
Cranioectodermal dysplasia 4 (CED4). Identifiers: Orphanet 1515, MedGen C3280616, MONDO:0013719, OMIM 614378.

Allele frequency attached by ClinVar (database versions not stated): ExAC 0.00001; gnomAD 0.00001 and 0.00002; gnomAD exomes 0.00001; TOPMed 0.00001.
gnomAD v4.1: 10 of 1,612,868 alleles (0.00062%); highest among the groups gnomAD compares: Non-Finnish European, 0.00085%; no homozygotes.

Submissions (2):

Fulgent Genetics
Classification: Uncertain significance for Asphyxiating thoracic dystrophy 5; Nephronophthisis 13; Cranioectodermal dysplasia 4; Senior-Loken syndrome 8; Spermatogenic failure 72. Last evaluated: 2022-02-18. Review status: criteria provided, single submitter. Criteria: ACMG Guidelines, 2015. Collection method: clinical testing. Allele origin: unknown.

Labcorp Genetics (formerly Invitae), Labcorp
Classification: Uncertain significance for Senior-Loken syndrome 8; Asphyxiating thoracic dystrophy 5. Last evaluated: 2020-07-21. Review status: criteria provided, single submitter. Criteria: Invitae Variant Classification Sherloc (09022015). Collection method: clinical testing. Allele origin: germline.
Comment: This sequence change replaces glycine with glutamic acid at codon 109 of the WDR19 protein (p.Gly109Glu). The glycine residue is moderately conserved and there is a moderate physicochemical difference between glycine and glutamic acid. This variant is present in population databases (rs766029437, ExAC 0.002%). This variant has been observed in individual(s) with Senior-Loken syndrome (PMID: 23683095). Algorithms developed to predict the effect of missense changes on protein structure and function (SIFT, PolyPhen-2, Align-GVGD) all suggest that this variant is likely to be tolerated, but these predictions have not been confirmed by published functional studies and their clinical significance is uncertain. In summary, the available evidence is currently insufficient to determine the role of this variant in disease. Therefore, it has been classified as a Variant of Uncertain Significance.

Literature cited by the submitters: PubMed 23683095 (cited by Labcorp Genetics (formerly Invitae), Labcorp).